The following is an entry in ClinVar:

ClinVar aggregate classification (germline): Likely pathogenic (1 of 4 stars; one submission).

Submission:

GeneDx
Classification: Likely pathogenic. Last evaluated: 2016-09-30. Review status: criteria provided, single submitter. Criteria: GeneDx Variant Classification (06012015). Collection method: clinical testing. Allele origin: germline. Affected: yes.
Comment: The c.738_742delATCCC variant in the PQBP1 gene has not been reported previously as a pathogenic variant nor as a benign variant, to our knowledge. The c.738_742delATCCC variant causes a frameshift starting with codon Serine 247, changes this amino acid to an Arginine residue, and creates a premature Stop codon at position 34 of the new reading frame, denoted p.Ser247ArgfsX34. This variant results in the final 19 amino acids being replaced by 33 incorrect amino acids within the region that is important for interaction with TXNL4A. The c.738_742delATCCC variant was not observed in approximately 6500 individuals of European and African American ancestry in the NHLBI Exome Sequencing Project, indicating it is not a common benign variant in these populations. Therefore, the c.738_742delATCCC variant is a strong candidate for a pathogenic variant.

NM_001032382.2(PQBP1):c.738_742del (p.Ser247fs)

Gene: PQBP1 (polyglutamine binding protein 1; plus strand). Cytogenetic location: Xp11.23.
Variant type: Deletion.
Coding change: c.738_742del on transcript NM_001032382.2 (MANE Select); coding-DNA positions 738 to 742, 5 bases deleted (ATCCC; older notation c.738_742delATCCC).
Protein change: p.Ser247fs; shifts the reading frame from serine 247.
Molecular consequence: frameshift variant.
Genome position (GRCh38, 1-based): chrX:48,903,024-48,903,028, ATCCC deleted; deleting any 5 consecutive bases within chrX:48,903,022-48,903,028 gives the same sequence; the c. name uses the placement nearest the transcript's 3' end. VCF-style (leftmost placement, unchanged base first): chrX-48903021-TCCATC-T. GRCh37 (hg19) VCF-style: chrX-48760298-TCCATC-T.
Other names: c.738_742delATCCC (NM_005710.2); c.738_742del, p.Ser247fs (NM_001032381.2, NM_001032383.2, NM_001032384.1 and 1 more transcripts); c.735_739del, p.Ser246fs (NM_001167989.2); c.714_718del, p.Ser239fs (NM_001167990.2); c.438_442del, p.Ser147fs (NM_001167992.1); c.453_457del, p.Ser152fs (NM_144495.3); short protein forms S152fs, S246fs, S247fs, S147fs, S239fs.
Identifiers: ClinVar variation 422285 (VCV000422285.2), dbSNP rs1064795683, ClinGen allele CA16621424.
Genomic context (GRCh38, chrX:48,903,021, plus strand): 5'-TGAGGCCAAGACTGGCGCTGACACCACAGCAGCTGGGCCCCTCTTCCAGCAGCGGCCGTA[TCCATC>T]CCCAGGGGCTGTGCTCCGGGCCAATGCAGAGGCCTCCCGAACCAAGCAGCAGGATTGAAG-3'